The following is an entry in ClinVar:

NM_021008.4(DEAF1):c.782G>C (p.Arg261Pro)

Gene: DEAF1 (DEAF1 transcription factor; minus strand). Cytogenetic location: 11p15.5.
Variant type: single nucleotide variant.
Coding change: c.782G>C on transcript NM_021008.4 (MANE Select); coding-DNA position 782, G replaced by C.
Protein change: p.Arg261Pro; replaces arginine 261 with proline.
Molecular consequence: missense variant. On other transcripts: intron variant (1).
Genome position (GRCh38, 1-based): chr11:686,880, C>G on the plus strand (G>C on the coding strand, the complement: DEAF1 is on the minus strand). VCF-style: chr11-686880-C-G. GRCh37 (hg19) VCF-style: chr11-686880-C-G.
Other names: c.56G>C, p.Arg19Pro (NM_001367390.1, NM_001440885.1, NM_001440886.1 and 1 more transcripts); c.782G>C, p.Arg261Pro (NM_001440883.1, NM_001440884.1); c.664+1031G>C (NM_001293634.2); short protein forms R19P, R261P.
Identifiers: ClinVar variation 2444491 (VCV002444491.2), dbSNP rs201600076, ClinGen allele CA378931878.

ClinVar aggregate classification (germline): Likely pathogenic (1 of 4 stars; one submission).

Conditions:
Autosomal dominant non-syndromic intellectual disability. Identifiers: Orphanet 178469, MedGen C5680502, MONDO:0015802.

Submission:

Pediatrics, Sichuan Provincial Hospital For Women And Children
Classification: Likely pathogenic for Autosomal dominant non-syndromic intellectual disability. Review status: criteria provided, single submitter. Criteria: ACMG Guidelines, 2015. Collection method: research. Allele origin: de novo. Inheritance: Autosomal dominant inheritance. Affected: yes. Observed: 1 heterozygote.
Comment: 782G>C (p.Arrg261pro), VSVS was confirmed